The following is an entry in ClinVar:

ClinVar aggregate classification (germline): Conflicting classifications of pathogenicity. Review status: criteria provided, conflicting classifications (1 of 4 stars). 5 submissions from 4 submitters: Uncertain significance (4); Benign (1). Last evaluated 2026-09-04.

Conditions:
Stickler syndrome type 2 (STL2). Also called: STICKLER SYNDROME, BEADED VITREOUS TYPE; STICKLER SYNDROME, VITREOUS TYPE 2; COL11A1-Related Stickler Syndrome; STICKLER SYNDROME, TYPE II. Identifiers: Orphanet 828, Orphanet 90654, MedGen C1858084, MONDO:0011493, OMIM 604841.
Fibrochondrogenesis 1 (FBCG1). Identifiers: Orphanet 2021, MedGen C3278138, MONDO:0009226, OMIM 228520.

Allele frequency attached by ClinVar (database versions not stated): ExAC 0.00006; gnomAD exomes 0.00007 and 0.00004; 1000 Genomes Project 30x 0.00016; TOPMed 0.00005; gnomAD 0.00001; ESP Exome Variant Server 0.00008; 1000 Genomes Project 0.00020.
gnomAD v4.1: 62 of 1,613,050 alleles (0.0038%); highest among the groups gnomAD compares: South Asian, 0.027%; no homozygotes.

Submissions (5):

GeneDx
Classification: Uncertain significance. Last evaluated: 2026-09-04. Review status: criteria provided, single submitter. Criteria: GeneDx Variant Classification Process June 2021. Collection method: clinical testing. Allele origin: germline.
Comment: In silico analysis supports that this missense variant has a deleterious effect on protein structure/function; Has not been previously published as pathogenic or benign to our knowledge; Not located in the triple helical region, where the majority of pathogenic missense variants occur (HGMD; PMID: 25240749); This variant is associated with the following publications: (PMID: 25240749)

Labcorp Genetics (formerly Invitae), Labcorp
Classification: Benign. Last evaluated: 2025-12-06. Review status: criteria provided, single submitter. Criteria: Invitae Variant Classification Sherloc (09022015). Collection method: clinical testing. Allele origin: germline.

Revvity Omics, Revvity
Classification: Uncertain significance. Last evaluated: 2019-05-09. Review status: criteria provided, single submitter. Criteria: ACMG Guidelines, 2015. Collection method: clinical testing. Allele origin: germline.

Illumina Laboratory Services, Illumina
Classification: Uncertain significance for Fibrochondrogenesis 1. Last evaluated: 2018-01-12. Review status: criteria provided, single submitter. Criteria: ICSL Variant Classification Criteria 13 December 2019. Collection method: clinical testing. Allele origin: germline.

Illumina Laboratory Services, Illumina
Classification: Uncertain significance for Stickler syndrome type 2. Last evaluated: 2018-01-12. Review status: criteria provided, single submitter. Criteria: ICSL Variant Classification Criteria 13 December 2019. Collection method: clinical testing. Allele origin: germline.

NM_001854.4(COL11A1):c.478G>A (p.Ala160Thr)

Gene: COL11A1 (collagen type XI alpha 1 chain; minus strand). Cytogenetic location: 1p21.1.
Variant type: single nucleotide variant.
Coding change: c.478G>A on transcript NM_001854.4 (MANE Select); coding-DNA position 478, G replaced by A.
Protein change: p.Ala160Thr; replaces alanine 160 with threonine.
Molecular consequence: missense variant. On other transcripts: non-coding transcript variant (1).
Genome position (GRCh38, 1-based): chr1:103,078,668, C>T on the plus strand (G>A on the coding strand, the complement: COL11A1 is on the minus strand). VCF-style: chr1-103078668-C-T. GRCh37 (hg19) VCF-style: chr1-103544224-C-T.
Other names: c.478G>A, p.Ala160Thr (NM_001190709.2, NM_080629.3, NM_080630.4); short protein forms A160T.
Identifiers: ClinVar variation 876927 (VCV000876927.19), dbSNP rs146954848, ClinGen allele CA975454.